The following is an entry in ClinVar:

ClinVar aggregate classification (germline): Likely pathogenic (1 of 4 stars; one submission).

Conditions:
Cardiovascular phenotype. Identifiers: MedGen CN230736.

gnomAD v4.1: 1 of 1,613,690 alleles (0.000062%); highest among the groups gnomAD compares: Non-Finnish European, 0.000085%; no homozygotes.

Submission:

Ambry Genetics
Classification: Likely pathogenic for Cardiovascular phenotype. Last evaluated: 2025-01-27. Review status: criteria provided, single submitter. Criteria: Ambry Variant Classification Scheme 2023. Collection method: clinical testing. Allele origin: germline.
Comment: The p.W18326* variant (also known as c.54978G>A), located in coding exon 153 of the TTN gene, results from a G to A substitution at nucleotide position 54978. This changes the amino acid from a tryptophan to a stop codon within coding exon 153. This exon is located in the A-band region of the N2-B isoform of the titin protein and is constitutively expressed in TTN transcripts (percent spliced in or PSI 100%). This variant is considered to be rare based on population cohorts in the Genome Aggregation Database (gnomAD). This alteration is expected to result in loss of function by premature protein truncation or nonsense-mediated mRNA decay. While truncating variants in TTN are present in 1-3% of the general population, truncating variants in the A-band are the most common cause of dilated cardiomyopathy (DCM) (Herman DS et al. N. Engl. J. Med., 2012 Feb;366:619-28; Roberts AM et al. Sci Transl Med, 2015 Jan;7:270ra6). TTN truncating variants encoded in constitutive exons (PSI >90%) have been found to be significantly associated with DCM regardless of their position in titin (Schafer S et al. Nat. Genet., 2017 01;49:46-53). Based on the majority of available evidence to date, this variant is likely to be pathogenic.

NM_001267550.2(TTN):c.82173G>A (p.Trp27391Ter)

Genes: TTN (titin; minus strand), TTN-AS1 (TTN antisense RNA 1; plus strand). Cytogenetic location: 2q31.2.
Variant type: single nucleotide variant.
Coding change: c.82173G>A on transcript NM_001267550.2 (MANE Select); coding-DNA position 82173, G replaced by A.
Protein change: p.Trp27391Ter; replaces tryptophan 27391 with a stop codon.
Molecular consequence: nonsense.
Genome position (GRCh38, 1-based): chr2:178,563,959, C>T on the plus strand (G>A on the coding strand, the complement: TTN is on the minus strand). VCF-style: chr2-178563959-C-T. GRCh37 (hg19) VCF-style: chr2-179428686-C-T.
Other names: c.77250G>A, p.Trp25750Ter (NM_001256850.1); c.54978G>A, p.Trp18326Ter (NM_003319.4); c.74469G>A, p.Trp24823Ter (NM_133378.4); c.55353G>A, p.Trp18451Ter (NM_133432.3); c.55554G>A, p.Trp18518Ter (NM_133437.4); short protein forms W25750*, W18326*, W24823*, W18451*, W18518*, W27391*.
Identifiers: ClinVar variation 3812243 (VCV003812243.1).